The following is an entry in ClinVar:

ClinVar aggregate classification (germline): Uncertain significance (0 of 4 stars; one submission).

Conditions:
PEX1-related disorder. Also called: PEX1-related condition.

Submission:

PreventionGenetics, part of Exact Sciences
Classification: Uncertain significance for PEX1-related condition. Last evaluated: 2023-12-19. Review status: no assertion criteria provided. Collection method: clinical testing. Allele origin: germline.
Comment: The PEX1 c.3083_3084delinsCA variant is predicted to result in an in-frame deletion and insertion. To our knowledge, this variant has not been reported in the literature or in a large population database, indicating this variant is rare. At this time, the clinical significance of this variant is uncertain due to the absence of conclusive functional and genetic evidence.

NM_000466.3(PEX1):c.3083_3084delinsCA (p.Asp1028Ala)

Genes: GATAD1 (GATA zinc finger domain containing 1; plus strand), PEX1 (peroxisomal biogenesis factor 1; minus strand). Cytogenetic location: 7q21.2.
Variant type: Indel.
Coding change: c.3083_3084delinsCA on transcript NM_000466.3 (MANE Select); coding-DNA positions 3083 to 3084, AT replaced by CA.
Protein change: p.Asp1028Ala; replaces aspartic acid 1028 with alanine.
Molecular consequence: missense variant.
Genome position (GRCh38, 1-based): chr7:92,493,076-92,493,077, AT replaced by TG on the plus strand (AT replaced by CA on the coding strand, the reverse complement: PEX1 is on the minus strand). VCF-style: chr7-92493076-AT-TG. GRCh37 (hg19) VCF-style: chr7-92122390-AT-TG.
Other names: c.2912_2913delinsCA, p.Asp971Ala (NM_001282677.2); c.2459_2460delinsCA, p.Asp820Ala (NM_001282678.2); short protein forms D1028A, D820A, D971A.
Identifiers: ClinVar variation 3043101 (VCV003043101.2), dbSNP rs2484629184, ClinGen allele CA2740097395.